The following is an entry in ClinVar:

ClinVar aggregate classification (germline): Likely pathogenic (1 of 4 stars; one submission).

Conditions:
Charcot-Marie-Tooth disease type 2. Also called: Charcot-Marie-Tooth type 2. Identifiers: Orphanet 64746, MedGen C0270914, MONDO:0018993.

Submission:

Labcorp Genetics (formerly Invitae), Labcorp
Classification: Likely pathogenic for Charcot-Marie-Tooth disease type 2. Last evaluated: 2024-07-02. Review status: criteria provided, single submitter. Criteria: Invitae Variant Classification Sherloc (09022015). Collection method: clinical testing. Allele origin: germline.
Comment: This sequence change replaces arginine, which is basic and polar, with serine, which is neutral and polar, at codon 259 of the MFN2 protein (p.Arg259Ser). This variant is not present in population databases (gnomAD no frequency). This variant has not been reported in the literature in individuals affected with MFN2-related conditions. Advanced modeling of protein sequence and biophysical properties (such as structural, functional, and spatial information, amino acid conservation, physicochemical variation, residue mobility, and thermodynamic stability) performed at Invitae indicates that this missense variant is expected to disrupt MFN2 protein function with a positive predictive value of 95%. This variant disrupts the p.Arg259 amino acid residue in MFN2. Other variant(s) that disrupt this residue have been determined to be pathogenic (PMID: 22492563, 24957169, 25802885, 25957633). This suggests that this residue is clinically significant, and that variants that disrupt this residue are likely to be disease-causing. In summary, the currently available evidence indicates that the variant is pathogenic, but additional data are needed to prove that conclusively. Therefore, this variant has been classified as Likely Pathogenic.

Literature cited by the submitters: PubMed 22492563; PubMed 24957169; PubMed 25802885; PubMed 25957633.

NM_014874.4(MFN2):c.775C>A (p.Arg259Ser)

Gene: MFN2 (mitofusin 2; plus strand). Cytogenetic location: 1p36.22.
Variant type: single nucleotide variant.
Coding change: c.775C>A on transcript NM_014874.4 (MANE Select); coding-DNA position 775, C replaced by A.
Protein change: p.Arg259Ser; replaces arginine 259 with serine.
Molecular consequence: missense variant.
Genome position (GRCh38, 1-based): chr1:11,999,054, C>A. VCF-style: chr1-11999054-C-A. GRCh37 (hg19) VCF-style: chr1-12059111-C-A.
Other names: c.775C>A, p.Arg259Ser (NM_001127660.2); short protein forms R259S.
Identifiers: ClinVar variation 2758767 (VCV002758767.3), dbSNP rs587777875, ClinGen allele CA338439241.